The following is an entry in ClinVar:

NM_006904.7(PRKDC):c.553C>G (p.His185Asp)

Gene: PRKDC (protein kinase, DNA-activated, catalytic subunit; minus strand). Cytogenetic location: 8q11.21.
Variant type: single nucleotide variant.
Coding change: c.553C>G on transcript NM_006904.7 (MANE Select); coding-DNA position 553, C replaced by G.
Protein change: p.His185Asp; replaces histidine 185 with aspartic acid.
Molecular consequence: missense variant.
Genome position (GRCh38, 1-based): chr8:47,953,875, G>C on the plus strand (C>G on the coding strand, the complement: PRKDC is on the minus strand). VCF-style: chr8-47953875-G-C. GRCh37 (hg19) VCF-style: chr8-48866435-G-C.
Other names: c.553C>G, p.His185Asp (NM_001081640.2); short protein forms H185D.
Identifiers: ClinVar variation 2449847 (VCV002449847.2), dbSNP rs2551881806, ClinGen allele CA371138845.
Genomic context (GRCh38, chr8:47,953,875, plus strand): 5'-TAAGTTCACCCAGAAAAGCGCGGAACAGGTTTTCTGCATTATTTATCATCTCACTAGGAT[G>C]AACTTCACCCAATAATCCTAGGAGCTCATATACTTTTTCTAAAACTGAAAAGAAAATTTT-3'
Protein context (NP_008835.5, residues 175-195): YELLGLLGEV[His185Asp]PSEMINNAEN

ClinVar aggregate classification (germline): Uncertain significance (1 of 4 stars; one submission).

Submission:

Ambry Genetics
Classification: Uncertain significance. Last evaluated: 2022-12-23. Review status: criteria provided, single submitter. Criteria: Ambry Variant Classification Scheme 2023. Collection method: clinical testing. Allele origin: germline.
Comment: The p.H185D variant (also known as c.553C>G), located in coding exon 6 of the PRKDC gene, results from a C to G substitution at nucleotide position 553. The histidine at codon 185 is replaced by aspartic acid, an amino acid with similar properties. This amino acid position is conserved. In addition, the in silico prediction for this alteration is inconclusive. Since supporting evidence is limited at this time, the clinical significance of this alteration remains unclear.